The following is an entry in ClinVar:

NM_000318.3(PEX2):c.112A>G (p.Thr38Ala)

Gene: PEX2 (peroxisomal biogenesis factor 2; minus strand). Cytogenetic location: 8q21.13.
Variant type: single nucleotide variant.
Coding change: c.112A>G on transcript NM_000318.3 (MANE Select); coding-DNA position 112, A replaced by G.
Protein change: p.Thr38Ala; replaces threonine 38 with alanine.
Molecular consequence: missense variant.
Genome position (GRCh38, 1-based): chr8:76,984,067, T>C on the plus strand (A>G on the coding strand, the complement: PEX2 is on the minus strand). VCF-style: chr8-76984067-T-C. GRCh37 (hg19) VCF-style: chr8-77896303-T-C.
Other names: c.112A>G (NM_000318.2); c.112A>G, p.Thr38Ala (NM_001079867.2, NM_001172086.2, NM_001172087.2); short protein forms T38A.
Identifiers: ClinVar variation 597823 (VCV000597823.11), dbSNP rs935435870, ClinGen allele CA179988281.

ClinVar aggregate classification (germline): Uncertain significance. Review status: criteria provided, multiple submitters, no conflicts (2 of 4 stars). 4 submissions from 4 submitters: Uncertain significance (4). Last evaluated 2025-05-18.

Conditions:
Peroxisome biogenesis disorder 5A (Zellweger) (PBD5A). Identifiers: Orphanet 912, MedGen C3553940, MONDO:0013932, OMIM 614866.
Inborn genetic diseases. Identifiers: MedGen C0950123, MeSH D030342.

Allele frequency attached by ClinVar (database versions not stated): gnomAD 0.00001.
gnomAD v4.1: 7 of 1,612,676 alleles (0.00043%); highest among the groups gnomAD compares: Admixed American, 0.0017%; no homozygotes.

Submissions (4):

Ambry Genetics
Classification: Uncertain significance for Inborn genetic diseases. Last evaluated: 2025-05-18. Review status: criteria provided, single submitter. Criteria: Ambry Variant Classification Scheme 2023. Collection method: clinical testing. Allele origin: germline.

Blueprint Genetics
Classification: Uncertain significance. Last evaluated: 2024-04-15. Review status: criteria provided, single submitter. Criteria: ACMG Guidelines, 2015. Collection method: clinical testing. Allele origin: germline.

Labcorp Genetics (formerly Invitae), Labcorp
Classification: Uncertain significance for Peroxisome biogenesis disorder 5A (Zellweger). Last evaluated: 2021-09-17. Review status: criteria provided, single submitter. Criteria: Invitae Variant Classification Sherloc (09022015). Collection method: clinical testing. Allele origin: germline.
Comment: This sequence change replaces threonine with alanine at codon 38 of the PEX2 protein (p.Thr38Ala). The threonine residue is moderately conserved and there is a small physicochemical difference between threonine and alanine. This variant is not present in population databases (ExAC no frequency). This variant has not been reported in the literature in individuals affected with PEX2-related conditions. ClinVar contains an entry for this variant (Variation ID: 597823). Algorithms developed to predict the effect of missense changes on protein structure and function output the following: SIFT: "Tolerated"; PolyPhen-2: "Benign"; Align-GVGD: "Class C0". The alanine amino acid residue is found in multiple mammalian species, which suggests that this missense change does not adversely affect protein function. In summary, the available evidence is currently insufficient to determine the role of this variant in disease. Therefore, it has been classified as a Variant of Uncertain Significance.

Eurofins Ntd Llc (ga)
Classification: Uncertain significance. Last evaluated: 2018-06-28. Review status: criteria provided, single submitter. Criteria: EGL ClinVar v180209 classification definitions. Collection method: clinical testing. Allele origin: germline. Observed: 1 variant allele, 1 heterozygote.